The following is an entry in ClinVar:

ClinVar aggregate classification (germline): Conflicting classifications of pathogenicity. Review status: criteria provided, conflicting classifications (1 of 4 stars). 4 submissions from 4 submitters: Uncertain significance (2); Likely benign (2). Last evaluated 2025-05-19.

Conditions:
Long QT syndrome (LQTS). Identifiers: MedGen C0023976, MeSH D008133, MONDO:0002442. Disease mechanism: loss of function. Inheritance: Various modes of inheritance.
Long QT syndrome 11 (LQT11). Identifiers: Orphanet 101016, Orphanet 768, MedGen C2678483, MONDO:0012738, OMIM 611820.
Cardiovascular phenotype. Identifiers: MedGen CN230736.

Allele frequency attached by ClinVar (database versions not stated): TOPMed 0.00006; gnomAD exomes 0.00007 and 0.00015; ExAC 0.00010; gnomAD 0.00013 and 0.00014; ESP Exome Variant Server 0.00015.
gnomAD v4.1: 121 of 1,613,292 alleles (0.0075%); highest among the groups gnomAD compares: Admixed American, 0.0067%; no homozygotes.

Submissions (4):

Labcorp Genetics (formerly Invitae), Labcorp
Classification: Uncertain significance for Long QT syndrome. Last evaluated: 2025-05-19. Review status: criteria provided, single submitter. Criteria: Invitae Variant Classification Sherloc (09022015). Collection method: clinical testing. Allele origin: germline.
Comment: This sequence change replaces glutamic acid, which is acidic and polar, with lysine, which is basic and polar, at codon 634 of the AKAP9 protein (p.Glu634Lys). This variant is present in population databases (rs368006874, gnomAD 0.09%), and has an allele count higher than expected for a pathogenic variant. This missense change has been observed in individual(s) with arrhythmia (PMID: 30847666). ClinVar contains an entry for this variant (Variation ID: 519315). An algorithm developed to predict the effect of missense changes on protein structure and function (PolyPhen-2) suggests that this variant is likely to be disruptive. In summary, the available evidence is currently insufficient to determine the role of this variant in disease. Therefore, it has been classified as a Variant of Uncertain Significance.

Ambry Genetics
Classification: Likely benign for Cardiovascular phenotype. Last evaluated: 2025-04-18. Review status: criteria provided, single submitter. Criteria: Ambry Variant Classification Scheme 2023. Collection method: clinical testing. Allele origin: germline.

Blueprint Genetics
Classification: Likely benign. Last evaluated: 2024-10-01. Review status: criteria provided, single submitter. Criteria: ACMG Guidelines, 2015. Collection method: clinical testing. Allele origin: germline.

Fulgent Genetics
Classification: Uncertain significance for Long QT syndrome 11. Last evaluated: 2021-09-01. Review status: criteria provided, single submitter. Criteria: ACMG Guidelines, 2015. Collection method: clinical testing. Allele origin: unknown.

Literature cited by the submitters: PubMed 30847666 (cited by Labcorp Genetics (formerly Invitae), Labcorp).

NM_005751.5(AKAP9):c.1900G>A (p.Glu634Lys)

Gene: AKAP9 (A-kinase anchoring protein 9; plus strand). Cytogenetic location: 7q21.2.
Variant type: single nucleotide variant.
Coding change: c.1900G>A on transcript NM_005751.5 (MANE Select); coding-DNA position 1900, G replaced by A.
Protein change: p.Glu634Lys; replaces glutamic acid 634 with lysine.
Molecular consequence: missense variant.
Genome position (GRCh38, 1-based): chr7:92,001,817, G>A. VCF-style: chr7-92001817-G-A. GRCh37 (hg19) VCF-style: chr7-91631131-G-A.
Other names: c.1900G>A, p.Glu634Lys (NM_147185.3); short protein forms E634K.
Identifiers: ClinVar variation 519315 (VCV000519315.11), dbSNP rs368006874, ClinGen allele CA4336071.